The following is an entry in ClinVar:

NM_005245.4(FAT1):c.10791C>T (p.Gly3597=)

Genes: FAT1 (FAT atypical cadherin 1; minus strand), LOC126807254 (BRD4-independent group 4 enhancer GRCh37_chr4:187524269-187525468; plus strand). Cytogenetic location: 4q35.2.
Variant type: single nucleotide variant.
Coding change: c.10791C>T on transcript NM_005245.4 (MANE Select); coding-DNA position 10791, C replaced by T.
Protein change: p.Gly3597=; no amino-acid change (glycine 3597 retained).
Molecular consequence: synonymous variant.
Genome position (GRCh38, 1-based): chr4:186,603,735, G>A on the plus strand (C>T on the coding strand, the complement: FAT1 is on the minus strand). VCF-style: chr4-186603735-G-A. GRCh37 (hg19) VCF-style: chr4-187524889-G-A.
Identifiers: ClinVar variation 3031953 (VCV003031953.2), dbSNP rs200725393, ClinGen allele CA3165269.

ClinVar aggregate classification (germline): Likely benign (0 of 4 stars; one submission).

Conditions:
FAT1-related disorder. Also called: FAT1-related condition.

Allele frequency attached by ClinVar (database versions not stated): ESP Exome Variant Server 0.00008; TOPMed 0.00008; gnomAD 0.00009; ExAC 0.00012; 1000 Genomes Project 30x 0.00016; 1000 Genomes Project 0.00020.
gnomAD v4.1: 74 of 1,613,916 alleles (0.0046%); highest among the groups gnomAD compares: African/African-American, 0.004%; no homozygotes.

Submission:

PreventionGenetics, part of Exact Sciences
Classification: Likely benign for FAT1-related condition. Last evaluated: 2022-03-09. Review status: no assertion criteria provided. Collection method: clinical testing. Allele origin: germline.
Comment: This variant is classified as likely benign based on ACMG/AMP sequence variant interpretation guidelines (Richards et al. 2015 PMID: 25741868, with internal and published modifications).